The following is an entry in ClinVar:

NM_181523.3(PIK3R1):c.157A>G (p.Ile53Val)

Gene: PIK3R1 (phosphoinositide-3-kinase regulatory subunit 1; plus strand). Cytogenetic location: 5q13.1.
Variant type: single nucleotide variant.
Coding change: c.157A>G on transcript NM_181523.3 (MANE Select); coding-DNA position 157, A replaced by G.
Protein change: p.Ile53Val; replaces isoleucine 53 with valine.
Molecular consequence: missense variant.
Genome position (GRCh38, 1-based): chr5:68,226,832, A>G. VCF-style: chr5-68226832-A-G. GRCh37 (hg19) VCF-style: chr5-67522660-A-G.
Other names: short protein forms I53V.
Identifiers: ClinVar variation 1999320 (VCV001999320.4), dbSNP rs2530796951, ClinGen allele CA359979698.

ClinVar aggregate classification (germline): Uncertain significance (1 of 4 stars; one submission).

Conditions:
SHORT syndrome. Also called: SHORT STATURE, HYPEREXTENSIBILITY, HERNIA, OCULAR DEPRESSION, RIEGER ANOMALY, AND TEETHING DELAY; PIK3R1-Related SHORT Syndrome; LIPODYSTROPHY, PARTIAL, WITH RIEGER ANOMALY AND SHORT STATURE. Identifiers: Orphanet 3163, MedGen C0878684, MONDO:0010026, OMIM 269880.
Agammaglobulinemia 7, autosomal recessive (AGM7). Also called: AGAMMAGLOBULINEMIA, AUTOSOMAL RECESSIVE, DUE TO PIK3R1 DEFECT. Identifiers: MedGen C3554689, MONDO:0014083, OMIM 615214.
Immunodeficiency 36 with lymphoproliferation. Also called: ACTIVATED PI3K-DELTA SYNDROME 2; Immunodeficiency 36; Activated PI3K Delta Syndrome Type 2 (APDS2). Identifiers: Orphanet 397596, Orphanet 693681, MedGen C4014934, MONDO:0014453, OMIM 616005.

Allele frequency attached by ClinVar (database versions not stated): gnomAD exomes below 0.00001.
gnomAD v4.1: 1 of 1,614,162 alleles (0.000062%); highest among the groups gnomAD compares: Non-Finnish European, 0.000085%; no homozygotes.

Submission:

Labcorp Genetics (formerly Invitae), Labcorp
Classification: Uncertain significance for SHORT syndrome; Immunodeficiency 36 with lymphoproliferation; Agammaglobulinemia 7, autosomal recessive. Last evaluated: 2023-11-27. Review status: criteria provided, single submitter. Criteria: Invitae Variant Classification Sherloc (09022015). Collection method: clinical testing. Allele origin: germline.
Comment: This sequence change replaces isoleucine, which is neutral and non-polar, with valine, which is neutral and non-polar, at codon 53 of the PIK3R1 protein (p.Ile53Val). This variant is not present in population databases (gnomAD no frequency). This variant has not been reported in the literature in individuals affected with PIK3R1-related conditions. ClinVar contains an entry for this variant (Variation ID: 1999320). An algorithm developed to predict the effect of missense changes on protein structure and function (PolyPhen-2) suggests that this variant is likely to be tolerated. In summary, the available evidence is currently insufficient to determine the role of this variant in disease. Therefore, it has been classified as a Variant of Uncertain Significance.